The following is an entry in ClinVar:

NM_021942.6(TRAPPC11):c.808A>G (p.Met270Val)

Gene: TRAPPC11 (trafficking protein particle complex subunit 11; plus strand). Cytogenetic location: 4q35.1.
Variant type: single nucleotide variant.
Coding change: c.808A>G on transcript NM_021942.6 (MANE Select); coding-DNA position 808, A replaced by G.
Protein change: p.Met270Val; replaces methionine 270 with valine.
Molecular consequence: missense variant.
Genome position (GRCh38, 1-based): chr4:183,677,531, A>G. VCF-style: chr4-183677531-A-G. GRCh37 (hg19) VCF-style: chr4-184598684-A-G.
Other names: c.808A>G, p.Met270Val (NM_199053.3); short protein forms M270V.
Identifiers: ClinVar variation 2157047 (VCV002157047.4), dbSNP rs147526528, ClinGen allele CA3151711.
Genomic context (GRCh38, chr4:183,677,531, plus strand): 5'-GCCTATAATCTTGTACACGAATTGAGAGCCCATGAAACTAATATTCTGGAAATTAAGACT[A>G]TGGCAGGATTTATAAACTACAAGGTAATAATTCTGCTTCCAAATACAGGGAATTTGTGTT-3'
Protein context (NP_068761.4, residues 260-280): HETNILEIKT[Met270Val]AGFINYKICR

ClinVar aggregate classification (germline): Uncertain significance (1 of 4 stars; one submission).

Conditions:
Autosomal recessive limb-girdle muscular dystrophy type R18 (LGMDR18). Also called: MUSCULAR DYSTROPHY, LIMB-GIRDLE, AUTOSOMAL RECESSIVE 18; Autosomal recessive limb-girdle muscular dystrophy type 2S; Limb-girdle muscular dystrophy, type 2S. Identifiers: Orphanet 369840, MedGen C4517996, MONDO:0014144, OMIM 615356.

Allele frequency attached by ClinVar (database versions not stated): gnomAD exomes below 0.00001; gnomAD 0.00001; TOPMed 0.00001; ExAC 0.00002; ESP Exome Variant Server 0.00008.
gnomAD v4.1: 3 of 1,595,398 alleles (0.00019%); highest among the groups gnomAD compares: South Asian, 0.0011%; no homozygotes.

Submission:

Labcorp Genetics (formerly Invitae), Labcorp
Classification: Uncertain significance for Autosomal recessive limb-girdle muscular dystrophy type R18. Last evaluated: 2022-10-16. Review status: criteria provided, single submitter. Criteria: Invitae Variant Classification Sherloc (09022015). Collection method: clinical testing. Allele origin: germline.
Comment: This variant has not been reported in the literature in individuals affected with TRAPPC11-related conditions. Advanced modeling of protein sequence and biophysical properties (such as structural, functional, and spatial information, amino acid conservation, physicochemical variation, residue mobility, and thermodynamic stability) performed at Invitae indicates that this missense variant is not expected to disrupt TRAPPC11 protein function. In summary, the available evidence is currently insufficient to determine the role of this variant in disease. Therefore, it has been classified as a Variant of Uncertain Significance. This sequence change replaces methionine, which is neutral and non-polar, with valine, which is neutral and non-polar, at codon 270 of the TRAPPC11 protein (p.Met270Val). This variant is present in population databases (rs147526528, gnomAD 0.003%).